The following is an entry in ClinVar:

NM_002282.3(KRT83):c.1380C>T (p.Ala460=)

Gene: KRT83 (keratin 83; minus strand). Cytogenetic location: 12q13.13.
Variant type: single nucleotide variant.
Coding change: c.1380C>T on transcript NM_002282.3 (MANE Select); coding-DNA position 1380, C replaced by T.
Protein change: p.Ala460=; no amino-acid change (alanine 460 retained).
Molecular consequence: synonymous variant.
Genome position (GRCh38, 1-based): chr12:52,314,733, G>A on the plus strand (C>T on the coding strand, the complement: KRT83 is on the minus strand). VCF-style: chr12-52314733-G-A. GRCh37 (hg19) VCF-style: chr12-52708517-G-A.
Identifiers: ClinVar variation 3057875 (VCV003057875.2), dbSNP rs145323146, ClinGen allele CA6577262.

ClinVar aggregate classification (germline): Likely benign (0 of 4 stars; one submission).

Conditions:
KRT83-related disorder. Also called: KRT83-related condition.

Allele frequency attached by ClinVar (database versions not stated): ExAC 0.00057; gnomAD 0.00066; TOPMed 0.00082; ESP Exome Variant Server 0.00115; 1000 Genomes Project 0.00160; 1000 Genomes Project 30x 0.00281.
gnomAD v4.1: 197 of 1,594,028 alleles (0.012%); highest among the groups gnomAD compares: African/African-American, 0.21%; no homozygotes.

Submission:

PreventionGenetics, part of Exact Sciences
Classification: Likely benign for KRT83-related condition. Last evaluated: 2019-02-18. Review status: no assertion criteria provided. Collection method: clinical testing. Allele origin: germline.
Comment: This variant is classified as likely benign based on ACMG/AMP sequence variant interpretation guidelines (Richards et al. 2015 PMID: 25741868, with internal and published modifications).